The following is an entry in ClinVar:

NM_021913.5(AXL):c.1375G>A (p.Val459Met)

Gene: AXL (AXL receptor tyrosine kinase; plus strand). Cytogenetic location: 19q13.2.
Variant type: single nucleotide variant.
Coding change: c.1375G>A on transcript NM_021913.5 (MANE Select); coding-DNA position 1375, G replaced by A.
Protein change: p.Val459Met; replaces valine 459 with methionine.
Molecular consequence: missense variant.
Genome position (GRCh38, 1-based): chr19:41,242,945, G>A. VCF-style: chr19-41242945-G-A. GRCh37 (hg19) VCF-style: chr19-41748850-G-A.
Other names: c.571G>A, p.Val191Met (NM_001278599.2); c.1348G>A, p.Val450Met (NM_001699.6); short protein forms V191M, V450M, V459M.
Identifiers: ClinVar variation 4811694 (VCV004811694.1).
Genomic context (GRCh38, chr19:41,242,945, plus strand): 5'-AAGGAACCTTCAACTCCTGCCTTCTCGTGGCCCTGGTGGTATGTACTGCTAGGAGCAGTC[G>A]TGGCCGCTGCCTGTGTCCTCATCTTGGCTCTCTTCCTTGTCCACCGGCGAAAGAAGGAGA-3'
Protein context (NP_068713.2, residues 449-469): PWWYVLLGAV[Val459Met]AAACVLILAL

ClinVar aggregate classification (germline): Uncertain significance (1 of 4 stars; one submission).

gnomAD v4.1: 126 of 1,614,158 alleles (0.0078%); highest among the groups gnomAD compares: African/African-American, 0.11%; no homozygotes.

Submission:

Labcorp Genetics (formerly Invitae), Labcorp
Classification: Uncertain significance. Last evaluated: 2025-12-17. Review status: criteria provided, single submitter. Criteria: Invitae Variant Classification Sherloc (09022015). Collection method: clinical testing. Allele origin: germline.
Comment: This sequence change replaces valine, which is neutral and non-polar, with methionine, which is neutral and non-polar, at codon 459 of the AXL protein (p.Val459Met). This variant is present in population databases (rs138698106, gnomAD 0.1%), and has an allele count higher than expected for a pathogenic variant. This variant has not been reported in the literature in individuals affected with AXL-related conditions. An algorithm developed to predict the effect of missense changes on protein structure and function (PolyPhen-2) suggests that this variant is likely to be disruptive. In summary, the available evidence is currently insufficient to determine the role of this variant in disease. Therefore, it has been classified as a Variant of Uncertain Significance.